The following is an entry in ClinVar:

ClinVar aggregate classification (germline): Uncertain significance (1 of 4 stars; one submission).

Conditions:
Brachyolmia-amelogenesis imperfecta syndrome. Also called: Tooth agenesis, selective, 6; Dental anomalies and short stature; PLATYSPONDYLY WITH AMELOGENESIS IMPERFECTA. Identifiers: Orphanet 2899, MedGen C1832594, MONDO:0011018, OMIM 601216. Disease mechanism: loss of function.

Submission:

Labcorp Genetics (formerly Invitae), Labcorp
Classification: Uncertain significance for Brachyolmia-amelogenesis imperfecta syndrome. Last evaluated: 2025-03-31. Review status: criteria provided, single submitter. Criteria: Invitae Variant Classification Sherloc (09022015). Collection method: clinical testing. Allele origin: germline.
Comment: This sequence change affects codon 908 of the LTBP3 mRNA. It is a 'silent' change, meaning that it does not change the encoded amino acid sequence of the LTBP3 protein. It affects a nucleotide within the consensus splice site. This variant is not present in population databases (gnomAD no frequency). This variant has not been reported in the literature in individuals affected with LTBP3-related conditions. Algorithms developed to predict the effect of sequence changes on RNA splicing suggest that this variant is not likely to affect RNA splicing. In summary, the available evidence is currently insufficient to determine the role of this variant in disease. Therefore, it has been classified as a Variant of Uncertain Significance.

NM_001130144.3(LTBP3):c.2724G>A (p.Glu908=)

Gene: LTBP3 (latent transforming growth factor beta binding protein 3; minus strand). Cytogenetic location: 11q13.1.
Variant type: single nucleotide variant.
Coding change: c.2724G>A on transcript NM_001130144.3 (MANE Select); coding-DNA position 2724, G replaced by A.
Protein change: p.Glu908=; no amino-acid change (glutamic acid 908 retained).
Molecular consequence: synonymous variant.
Genome position (GRCh38, 1-based): chr11:65,541,601, C>T on the plus strand (G>A on the coding strand, the complement: LTBP3 is on the minus strand). VCF-style: chr11-65541601-C-T. GRCh37 (hg19) VCF-style: chr11-65309072-C-T.
Other names: c.2373G>A, p.Glu791= (NM_001164266.1); c.2724G>A, p.Glu908= (NM_021070.4).
Identifiers: ClinVar variation 4744656 (VCV004744656.1).